The following is an entry in ClinVar:

NM_001291415.2(KDM6A):c.4254C>T (p.Ser1418=)

Gene: KDM6A (lysine demethylase 6A; plus strand). Cytogenetic location: Xp11.3.
Variant type: single nucleotide variant.
Coding change: c.4254C>T on transcript NM_001291415.2 (MANE Select); coding-DNA position 4254, C replaced by T.
Protein change: p.Ser1418=; no amino-acid change (serine 1418 retained).
Molecular consequence: synonymous variant. On other transcripts: non-coding transcript variant (1).
Genome position (GRCh38, 1-based): chrX:45,110,171, C>T. VCF-style: chrX-45110171-C-T. GRCh37 (hg19) VCF-style: chrX-44969416-C-T.
Other names: c.4119C>T, p.Ser1373= (NM_001291416.2); c.3963C>T, p.Ser1321= (NM_001291417.2); c.3861C>T, p.Ser1287= (NM_001291418.2); c.3210C>T, p.Ser1070= (NM_001291421.2); c.4098C>T, p.Ser1366= (NM_021140.4).
Identifiers: ClinVar variation 778791 (VCV000778791.10), dbSNP rs377465023, ClinGen allele CA10392804.

ClinVar aggregate classification (germline): Likely benign. Review status: criteria provided, single submitter (1 of 4 stars). 2 submissions from 2 submitters: Likely benign (1). 1 of the submissions does not count toward it. Last evaluated 2025-12-22.

Conditions:
KDM6A-related disorder. Also called: KDM6A-related condition.
Kabuki syndrome 2 (KABUK2). Also called: KDM6A-Related Kabuki Syndrome. Identifiers: Orphanet 2322, MedGen C3275495, MONDO:0010465, OMIM 300867.

Allele frequency attached by ClinVar (database versions not stated): ExAC 0.00001; gnomAD 0.00001; gnomAD exomes 0.00002 and 0.00003; TOPMed 0.00004; ESP Exome Variant Server 0.00009.
gnomAD v4.1: 33 of 1,208,390 alleles (0.0027%); highest among the groups gnomAD compares: Non-Finnish European, 0.0036%; no homozygotes.

Submissions (2):

Labcorp Genetics (formerly Invitae), Labcorp
Classification: Likely benign for Kabuki syndrome 2. Last evaluated: 2025-12-22. Review status: criteria provided, single submitter. Criteria: Invitae Variant Classification Sherloc (09022015). Collection method: clinical testing. Allele origin: germline.

PreventionGenetics, part of Exact Sciences
Classification: Likely benign for KDM6A-related condition. Last evaluated: 2023-10-24. Review status: no assertion criteria provided. Collection method: clinical testing. Allele origin: germline. Not counted in ClinVar's aggregate classification.
Comment: This variant is classified as likely benign based on ACMG/AMP sequence variant interpretation guidelines (Richards et al. 2015 PMID: 25741868, with internal and published modifications).